The following is an entry in ClinVar:

ClinVar aggregate classification (germline): Likely benign. Review status: criteria provided, multiple submitters, no conflicts (2 of 4 stars). 4 submissions from 4 submitters: Likely benign (4). Last evaluated 2025-01-16.

Conditions:
Hypertrophic cardiomyopathy. Also called: HYPERTROPHIC MYOCARDIOPATHY. Identifiers: Orphanet 217569, MedGen C0007194, MeSH D002312, MONDO:0005045, HP:0001639.
Cardiovascular phenotype. Identifiers: MedGen CN230736.
Cardiomyopathy (CMYO). Also called: Cardiomyopathies. Identifiers: Orphanet 167848, MedGen C0878544, MONDO:0004994, HP:0001638. Inheritance: Various modes of inheritance.

gnomAD v4.1: 2 of 1,607,352 alleles (0.00012%); highest among the groups gnomAD compares: Non-Finnish European, 0.000085%; no homozygotes.

Submissions (4):

Labcorp Genetics (formerly Invitae), Labcorp
Classification: Likely benign for Hypertrophic cardiomyopathy. Last evaluated: 2025-01-16. Review status: criteria provided, single submitter. Criteria: Invitae Variant Classification Sherloc (09022015). Collection method: clinical testing. Allele origin: germline.

All of Us Research Program, National Institutes of Health
Classification: Likely benign for Hypertrophic cardiomyopathy. Last evaluated: 2023-08-15. Review status: criteria provided, single submitter. Criteria: ACMG Guidelines, 2015. Collection method: clinical testing. Allele origin: germline. Inheritance: Autosomal dominant inheritance. Observed: 2 variant alleles, 2 heterozygotes.
Comment: This study involves interpretation of variants in research participants for the purpose of population health screening. Participant phenotype was not available at the time of variant classification. Additional details can be found in publication PMID: 35346344, PMCID: PMC8962531

Color Diagnostics, LLC DBA Color Health
Classification: Likely benign for Cardiomyopathy. Last evaluated: 2023-05-03. Review status: criteria provided, single submitter. Criteria: ACMG Guidelines, 2015. Collection method: clinical testing. Allele origin: germline.

Ambry Genetics
Classification: Likely benign for Cardiovascular phenotype. Last evaluated: 2019-07-15. Review status: criteria provided, single submitter. Criteria: Ambry Variant Classification Scheme 2023. Collection method: clinical testing. Allele origin: germline.

NM_000256.3(MYBPC3):c.3423C>T (p.Ser1141=)

Gene: MYBPC3 (myosin binding protein C3; minus strand). Cytogenetic location: 11p11.2.
Variant type: single nucleotide variant.
Coding change: c.3423C>T on transcript NM_000256.3 (MANE Select); coding-DNA position 3423, C replaced by T.
Protein change: p.Ser1141=; no amino-acid change (serine 1141 retained).
Molecular consequence: synonymous variant.
Genome position (GRCh38, 1-based): chr11:47,332,881, G>A on the plus strand (C>T on the coding strand, the complement: MYBPC3 is on the minus strand). VCF-style: chr11-47332881-G-A. GRCh37 (hg19) VCF-style: chr11-47354432-G-A.
Identifiers: ClinVar variation 1731290 (VCV001731290.7), dbSNP rs1422830996, ClinGen allele CA474429038.
Genomic context (GRCh38, chr11:47,332,881, plus strand): 5'-GGGGATAAAGACGGGCTCCTTGGTGGTGGCCGCTCTGTCACTAAAGCCAACCATATTCTG[G>A]CTGAAGACGCGGAAGTAGTAGCCATTGCCAATGATGAGCTCTGGCACCACGCAGTGGGTG-3'
Protein context (NP_000247.2, residues 1131-1151): IGNGYYFRVF[Ser1141=]QNMVGFSDRA